The following is an entry in ClinVar:

ClinVar aggregate classification (germline): Uncertain significance (1 of 4 stars; one submission).

Conditions:
ZNF469-related disorder. Also called: ZNF469-related condition.

Submission:

PreventionGenetics, part of Exact Sciences
Classification: Uncertain significance for ZNF469-related condition. Last evaluated: 2026-07-02. Review status: criteria provided, single submitter. Criteria: ACMG Guidelines, 2015. Collection method: clinical testing. Allele origin: germline.
Comment: The ZNF469 c.5407G>T variant is predicted to result in the amino acid substitution p.Ala1803Ser. To our knowledge, this variant has not been reported in the literature. This variant is absent in a large population database (gnomAD), indicating this variant is rare. At this time, the clinical significance of this variant is uncertain due to the absence of conclusive functional and genetic evidence.

NM_001367624.2(ZNF469):c.5491G>T (p.Ala1831Ser)

Gene: ZNF469 (zinc finger protein 469; plus strand). Cytogenetic location: 16q24.2.
Variant type: single nucleotide variant.
Coding change: c.5491G>T on transcript NM_001367624.2 (MANE Select); coding-DNA position 5491, G replaced by T.
Protein change: p.Ala1831Ser; replaces alanine 1831 with serine.
Molecular consequence: missense variant.
Genome position (GRCh38, 1-based): chr16:88,432,961, G>T. VCF-style: chr16-88432961-G-T. GRCh37 (hg19) VCF-style: chr16-88499369-G-T.
Other names: NM_001127464.2:c.5407G>T; short protein forms A1831S.
Identifiers: ClinVar variation 4991237 (VCV004991237.1).